The following is an entry in ClinVar:

NM_000324.3(RHAG):c.588G>A (p.Lys196=)

Gene: RHAG (Rh associated glycoprotein; minus strand). Cytogenetic location: 6p12.3.
Variant type: single nucleotide variant.
Coding change: c.588G>A on transcript NM_000324.3 (MANE Select); coding-DNA position 588, G replaced by A.
Protein change: p.Lys196=; no amino-acid change (lysine 196 retained).
Molecular consequence: synonymous variant.
Genome position (GRCh38, 1-based): chr6:49,615,676, C>T on the plus strand (G>A on the coding strand, the complement: RHAG is on the minus strand). VCF-style: chr6-49615676-C-T. GRCh37 (hg19) VCF-style: chr6-49583389-C-T.
Other names: p.Lys196=.
Identifiers: ClinVar variation 4683190 (VCV004683190.1).

ClinVar aggregate classification (germline): Likely benign (1 of 4 stars; one submission).

gnomAD v4.1: 15 of 1,613,998 alleles (0.00093%); highest among the groups gnomAD compares: African/African-American, 0.0067%; no homozygotes.

Submission:

Mayo Clinic Laboratories, Mayo Clinic
Classification: Likely benign. Last evaluated: 2025-10-17. Review status: criteria provided, single submitter. Criteria: ACMG Guidelines, 2015. Collection method: clinical testing. Allele origin: germline. Observed: 1 variant allele.
Comment: BP4, BP7, PM2_supporting